The following is an entry in ClinVar:

ClinVar aggregate classification (germline): Pathogenic/Likely pathogenic. Review status: criteria provided, multiple submitters, no conflicts (2 of 4 stars). 4 submissions from 4 submitters: Pathogenic (1); Likely pathogenic (3). Last evaluated 2025-03-31.

Conditions:
Retinitis pigmentosa 25 (RP25). Identifiers: Orphanet 791, MedGen C1864446, MONDO:0011272, OMIM 602772.

Submissions (4):

Natera, Inc.
Classification: Likely pathogenic for Retinitis pigmentosa type 25. Last evaluated: 2025-03-31. Review status: criteria provided, single submitter. Criteria: Natera Variant Classification Schema (03/2026). Collection method: clinical testing. Allele origin: germline.
Comment: The c.3886C>T variant in EYS is a nonsense variant predicted to introduce a stop codon at amino acid 1296. This variant is expected to result in nonsense mediated decay, truncation, or a dysfunctional protein product. This variant is rare in the general population with a frequency below the threshold expected for the associated phenotype(s). Given the available evidence, this variant is classified as Likely Pathogenic.

Labcorp Genetics (formerly Invitae), Labcorp
Classification: Pathogenic. Last evaluated: 2024-02-16. Review status: criteria provided, single submitter. Criteria: Invitae Variant Classification Sherloc (09022015). Collection method: clinical testing. Allele origin: germline.
Comment: This sequence change creates a premature translational stop signal (p.Gln1296*) in the EYS gene. It is expected to result in an absent or disrupted protein product. Loss-of-function variants in EYS are known to be pathogenic (PMID: 18836446, 20333770). This variant is not present in population databases (gnomAD no frequency). This variant has not been reported in the literature in individuals affected with EYS-related conditions. ClinVar contains an entry for this variant (Variation ID: 1921921). For these reasons, this variant has been classified as Pathogenic.

Fulgent Genetics
Classification: Likely pathogenic for Retinitis pigmentosa 25. Last evaluated: 2024-01-30. Review status: criteria provided, single submitter. Criteria: ACMG Guidelines, 2015. Collection method: clinical testing. Allele origin: germline.

Baylor Genetics
Classification: Likely pathogenic for Retinitis pigmentosa 25. Last evaluated: 2023-03-26. Review status: criteria provided, single submitter. Criteria: ACMG Guidelines, 2015. Collection method: clinical testing. Allele origin: unknown.

Literature cited by the submitters: PubMed 18836446 (cited by Labcorp Genetics (formerly Invitae), Labcorp); PubMed 20333770 (cited by Labcorp Genetics (formerly Invitae), Labcorp).

NM_001142800.2(EYS):c.3886C>T (p.Gln1296Ter)

Gene: EYS (EGF-like photoreceptor maintenance factor; minus strand). Cytogenetic location: 6q12.
Variant type: single nucleotide variant.
Coding change: c.3886C>T on transcript NM_001142800.2 (MANE Select); coding-DNA position 3886, C replaced by T.
Protein change: p.Gln1296Ter; replaces glutamine 1296 with a stop codon.
Molecular consequence: nonsense.
Genome position (GRCh38, 1-based): chr6:64,591,981, G>A on the plus strand (C>T on the coding strand, the complement: EYS is on the minus strand). VCF-style: chr6-64591981-G-A. GRCh37 (hg19) VCF-style: chr6-65301874-G-A.
Other names: c.3886C>T, p.Gln1296Ter (NM_001292009.2); c.3886C>T (NM_001142800.1); short protein forms Q1296*.
Identifiers: ClinVar variation 1921921 (VCV001921921.8), dbSNP rs2533155884, ClinGen allele CA364784502.